The following is an entry in ClinVar:

ClinVar aggregate classification (germline): Uncertain significance. Review status: criteria provided, multiple submitters, no conflicts (2 of 4 stars). 2 submissions from 2 submitters: Uncertain significance (2). Last evaluated 2022-07-19.

Conditions:
Cleft lip/palate-ectodermal dysplasia syndrome (CLPED1). Also called: ECTODERMAL DYSPLASIA, CLEFT LIP AND PALATE, MENTAL RETARDATION, AND SYNDACTYLY; ECTODERMAL DYSPLASIA, MARGARITA ISLAND TYPE; ECTODERMAL DYSPLASIA, TYPE 4; Zlotogora syndrome; ZLOTOGORA-OGUR SYNDROME. Identifiers: Orphanet 3253, MedGen C2931488, MONDO:0009151, OMIM 225060.

Allele frequency attached by ClinVar (database versions not stated): ESP Exome Variant Server 0.00008; gnomAD exomes 0.00008; ExAC 0.00009; gnomAD 0.00023 and 0.00026; TOPMed 0.00028.
gnomAD v4.1: 135 of 1,613,794 alleles (0.0084%); highest among the groups gnomAD compares: Admixed American, 0.06%; no homozygotes.

Submissions (2):

Labcorp Genetics (formerly Invitae), Labcorp
Classification: Uncertain significance. Last evaluated: 2022-07-19. Review status: criteria provided, single submitter. Criteria: Invitae Variant Classification Sherloc (09022015). Collection method: clinical testing. Allele origin: germline.
Comment: ClinVar contains an entry for this variant (Variation ID: 878432). In summary, the available evidence is currently insufficient to determine the role of this variant in disease. Therefore, it has been classified as a Variant of Uncertain Significance. Algorithms developed to predict the effect of missense changes on protein structure and function are either unavailable or do not agree on the potential impact of this missense change (SIFT: "Tolerated"; PolyPhen-2: "Possibly Damaging"; Align-GVGD: "Class C0"). This variant has not been reported in the literature in individuals affected with NECTIN1-related conditions. This variant is present in population databases (rs374643713, gnomAD 0.02%). This sequence change replaces aspartic acid, which is acidic and polar, with asparagine, which is neutral and polar, at codon 491 of the NECTIN1 protein (p.Asp491Asn).

Illumina Laboratory Services, Illumina
Classification: Uncertain significance for Cleft lip/palate-ectodermal dysplasia syndrome. Last evaluated: 2018-01-13. Review status: criteria provided, single submitter. Criteria: ICSL Variant Classification Criteria 13 December 2019. Collection method: clinical testing. Allele origin: germline.

NM_002855.5(NECTIN1):c.1471G>A (p.Asp491Asn)

Gene: NECTIN1 (nectin cell adhesion molecule 1; minus strand). Cytogenetic location: 11q23.3.
Variant type: single nucleotide variant.
Coding change: c.1471G>A on transcript NM_002855.5 (MANE Select); coding-DNA position 1471, G replaced by A.
Protein change: p.Asp491Asn; replaces aspartic acid 491 with asparagine.
Molecular consequence: missense variant. On other transcripts: intron variant (1).
Genome position (GRCh38, 1-based): chr11:119,664,830, C>T on the plus strand (G>A on the coding strand, the complement: NECTIN1 is on the minus strand). VCF-style: chr11-119664830-C-T. GRCh37 (hg19) VCF-style: chr11-119535540-C-T.
Other names: c.1003+10329G>A (NM_203285.2); short protein forms D491N.
Identifiers: ClinVar variation 878432 (VCV000878432.7), dbSNP rs374643713, ClinGen allele CA6321776.